The following is an entry in ClinVar:

NM_000796.6(DRD3):c.383+2327C>T

Gene: DRD3 (dopamine receptor D3; minus strand). Cytogenetic location: 3q13.31.
Variant type: single nucleotide variant.
Coding change: c.383+2327C>T on transcript NM_000796.6 (MANE Select); 2327 bases into the intron after coding-DNA position 383, C replaced by T.
Molecular consequence: intron variant.
Genome position (GRCh38, 1-based): chr3:114,157,428, G>A on the plus strand (C>T on the coding strand, the complement: DRD3 is on the minus strand). VCF-style: chr3-114157428-G-A. GRCh37 (hg19) VCF-style: chr3-113876275-G-A.
Other names: c.383+2327C>T (NM_033663.6, NM_001282563.2, NM_001290809.1).
Identifiers: ClinVar variation 512983 (VCV000512983.1), dbSNP rs167771, ClinGen allele CA15258040.
Genomic context (GRCh38, chr3:114,157,428, plus strand): 5'-CAATTTCATCTCTTCCCAGGTTGCCCCATACCCTTCTCATGCTCCAAAGTCTATCACAAT[G>A]ATCCTCTTTTCCATAAAGCCCTTTCACATTCCCACAGTCTGATTCAGTCACCCTTGAACT-3'

ClinVar aggregate classification (germline): Benign (1 of 4 stars; one submission).

Allele frequency attached by ClinVar (database versions not stated): 1000 Genomes Project 30x 0.58011; 1000 Genomes Project 0.58866; TOPMed 0.62777; gnomAD 0.64081 and 0.64744.
gnomAD v4.1: 98,528 of 151,878 alleles (65%); highest among the groups gnomAD compares: Non-Finnish European, 83%; 36,887 homozygotes.

Submission:

GeneDx
Classification: Benign. Last evaluated: 2018-03-09. Review status: criteria provided, single submitter. Criteria: GeneDx Variant Classification (06012015). Collection method: clinical testing. Allele origin: germline. Affected: yes.
Comment: This variant is considered likely benign or benign based on one or more of the following criteria: it is a conservative change, it occurs at a poorly conserved position in the protein, it is predicted to be benign by multiple in silico algorithms, and/or has population frequency not consistent with disease.